The following is an entry in ClinVar:

ClinVar aggregate classification (germline): Uncertain significance (1 of 4 stars; one submission).

Conditions:
Leber congenital amaurosis 7 (LCA7). Identifiers: Orphanet 65, MedGen C3151192, MONDO:0013449, OMIM 613829.
Cone-rod dystrophy 2 (CORD2). Also called: CONE-ROD RETINAL DYSTROPHY; Cone-rod retinal dystrophy 2. Identifiers: Orphanet 1872, MedGen C3489532, MONDO:0007362, OMIM 120970.

Allele frequency attached by ClinVar (database versions not stated): gnomAD exomes below 0.00001; TOPMed below 0.00001; ExAC 0.00001; gnomAD 0.00001.

Submission:

Labcorp Genetics (formerly Invitae), Labcorp
Classification: Uncertain significance for Cone-rod dystrophy 2; Leber congenital amaurosis 7. Last evaluated: 2023-12-11. Review status: criteria provided, single submitter. Criteria: Invitae Variant Classification Sherloc (09022015). Collection method: clinical testing. Allele origin: germline.
Comment: This sequence change replaces proline, which is neutral and non-polar, with leucine, which is neutral and non-polar, at codon 240 of the CRX protein (p.Pro240Leu). This variant is present in population databases (rs781610314, gnomAD 0.0009%). This variant has not been reported in the literature in individuals affected with CRX-related conditions. ClinVar contains an entry for this variant (Variation ID: 2092810). Advanced modeling of protein sequence and biophysical properties (such as structural, functional, and spatial information, amino acid conservation, physicochemical variation, residue mobility, and thermodynamic stability) performed at Invitae indicates that this missense variant is not expected to disrupt CRX protein function with a negative predictive value of 80%. In summary, the available evidence is currently insufficient to determine the role of this variant in disease. Therefore, it has been classified as a Variant of Uncertain Significance.

NM_000554.6(CRX):c.719C>T (p.Pro240Leu)

Gene: CRX (cone-rod homeobox; plus strand). Cytogenetic location: 19q13.33.
Variant type: single nucleotide variant.
Coding change: c.719C>T on transcript NM_000554.6 (MANE Select); coding-DNA position 719, C replaced by T.
Protein change: p.Pro240Leu; replaces proline 240 with leucine.
Molecular consequence: missense variant.
Genome position (GRCh38, 1-based): chr19:47,839,786, C>T. VCF-style: chr19-47839786-C-T. GRCh37 (hg19) VCF-style: chr19-48343043-C-T.
Other names: short protein forms P240L.
Identifiers: ClinVar variation 2092810 (VCV002092810.4), dbSNP rs781610314, ClinGen allele CA9544562.